The following is an entry in ClinVar:

NM_002474.3(MYH11):c.4241C>A (p.Ala1414Asp)

Genes: NDE1 (nudE neurodevelopment protein 1; plus strand), MYH11 (myosin heavy chain 11; minus strand). Cytogenetic location: 16p13.11.
Variant type: single nucleotide variant.
Coding change: c.4241C>A on transcript NM_002474.3 (MANE Select); coding-DNA position 4241, C replaced by A.
Protein change: p.Ala1414Asp; replaces alanine 1414 with aspartic acid.
Molecular consequence: missense variant. On other transcripts: 3 prime UTR variant (2).
Genome position (GRCh38, 1-based): chr16:15,724,285, G>T on the plus strand (C>A on the coding strand, the complement: MYH11 is on the minus strand). VCF-style: chr16-15724285-G-T. GRCh37 (hg19) VCF-style: chr16-15818142-G-T.
Other names: c.4262C>A, p.Ala1421Asp (NM_001040113.2, NM_001040114.2); c.4241C>A, p.Ala1414Asp (NM_022844.3); c.*34G>T (NM_001143979.2, NM_017668.3); short protein forms A1414D, A1421D.
Identifiers: ClinVar variation 1739002 (VCV001739002.2), dbSNP rs1215643493, ClinGen allele CA394857278.
Genomic context (GRCh38, chr16:15,724,285, plus strand): 5'-ACAACCAGGTCGTCCAGCTCCTGCTGAAGCCTGTTCTTGGTCTTTTCCAGTTTATCATAA[G>T]CGGCCGCCTTCTCCTCGTACTGCTGGGTGAGGTTCTCGATCTCCTTCTGGAACCTCTTCT-3'
Protein context (NP_002465.1, residues 1404-1424): LTQQYEEKAA[Ala1414Asp]YDKLEKTKNR

ClinVar aggregate classification (germline): Uncertain significance (1 of 4 stars; one submission).

Conditions:
Familial thoracic aortic aneurysm and aortic dissection (TAAD). Also called: Thoracic aortic aneurysms and dissections. Identifiers: Orphanet 91387, MedGen C4707243, MONDO:0019625.

Submission:

Ambry Genetics
Classification: Uncertain significance for Familial thoracic aortic aneurysm and aortic dissection. Last evaluated: 2020-11-03. Review status: criteria provided, single submitter. Criteria: Ambry Variant Classification Scheme 2023. Collection method: clinical testing. Allele origin: germline.
Comment: The p.A1414D variant (also known as c.4241C>A), located in coding exon 30 of the MYH11 gene, results from a C to A substitution at nucleotide position 4241. The alanine at codon 1414 is replaced by aspartic acid, an amino acid with dissimilar properties. This amino acid position is not well conserved in available vertebrate species. In addition, the in silico prediction for this alteration is inconclusive. Since supporting evidence is limited at this time, the clinical significance of this alteration remains unclear.